The following is an entry in ClinVar:

ClinVar aggregate classification (germline): Uncertain significance. Review status: criteria provided, multiple submitters, no conflicts (2 of 4 stars). 2 submissions from 2 submitters: Uncertain significance (2). Last evaluated 2024-01-03.

Conditions:
Inborn genetic diseases. Identifiers: MedGen C0950123, MeSH D030342.

Allele frequency attached by ClinVar (database versions not stated): gnomAD 0.00001; gnomAD exomes 0.00001.
gnomAD v4.1: 14 of 1,614,052 alleles (0.00087%); highest among the groups gnomAD compares: East Asian, 0.0089%; no homozygotes.

Submissions (2):

Ambry Genetics
Classification: Uncertain significance for Inborn genetic diseases. Last evaluated: 2024-01-03. Review status: criteria provided, single submitter. Criteria: Ambry Variant Classification Scheme 2023. Collection method: clinical testing. Allele origin: germline.

Labcorp Genetics (formerly Invitae), Labcorp
Classification: Uncertain significance. Last evaluated: 2023-09-25. Review status: criteria provided, single submitter. Criteria: Invitae Variant Classification Sherloc (09022015). Collection method: clinical testing. Allele origin: germline.
Comment: This sequence change replaces alanine, which is neutral and non-polar, with threonine, which is neutral and polar, at codon 401 of the NEFH protein (p.Ala401Thr). This variant is present in population databases (no rsID available, gnomAD no frequency). This missense change has been observed in individual(s) with clinical features of Charcot-Marie-Tooth disease (Invitae). Advanced modeling of protein sequence and biophysical properties (such as structural, functional, and spatial information, amino acid conservation, physicochemical variation, residue mobility, and thermodynamic stability) performed at Invitae indicates that this missense variant is not expected to disrupt NEFH protein function. In summary, the available evidence is currently insufficient to determine the role of this variant in disease. Therefore, it has been classified as a Variant of Uncertain Significance.

NM_021076.4(NEFH):c.1201G>A (p.Ala401Thr)

Gene: NEFH (neurofilament heavy chain; plus strand). Cytogenetic location: 22q12.2.
Variant type: single nucleotide variant.
Coding change: c.1201G>A on transcript NM_021076.4 (MANE Select); coding-DNA position 1201, G replaced by A.
Protein change: p.Ala401Thr; replaces alanine 401 with threonine.
Molecular consequence: missense variant.
Genome position (GRCh38, 1-based): chr22:29,485,840, G>A. VCF-style: chr22-29485840-G-A. GRCh37 (hg19) VCF-style: chr22-29881829-G-A.
Other names: c.1201G>A (NM_021076.3); short protein forms A401T.
Identifiers: ClinVar variation 2973853 (VCV002973853.4), dbSNP rs1210850072, ClinGen allele CA411127258.